The following is an entry in ClinVar:

NM_006208.3(ENPP1):c.1735T>G (p.Leu579Val)

Gene: ENPP1 (ectonucleotide pyrophosphatase/phosphodiesterase 1; plus strand). Cytogenetic location: 6q23.2.
Variant type: single nucleotide variant.
Coding change: c.1735T>G on transcript NM_006208.3 (MANE Select); coding-DNA position 1735, T replaced by G.
Protein change: p.Leu579Val; replaces leucine 579 with valine.
Molecular consequence: missense variant.
Genome position (GRCh38, 1-based): chr6:131,877,003, T>G. VCF-style: chr6-131877003-T-G. GRCh37 (hg19) VCF-style: chr6-132198143-T-G.
Other names: short protein forms L579V.
Identifiers: ClinVar variation 853191 (VCV000853191.12), dbSNP rs144209970, ClinGen allele CA4002319.

ClinVar aggregate classification (germline): Conflicting classifications of pathogenicity. Review status: criteria provided, conflicting classifications (1 of 4 stars). 3 submissions from 3 submitters: Uncertain significance (2); Likely benign (1). Last evaluated 2024-10-23.

Conditions:
Arterial calcification, generalized, of infancy, 1 (GACI1). Also called: Idiopathic Infantile Arterial Calcification. Identifiers: Orphanet 51608, MedGen C4551985, MONDO:0008817, OMIM 208000.
Hypopigmentation-punctate palmoplantar keratoderma syndrome. Also called: Cole disease; GUTTATE HYPOPIGMENTATION AND PUNCTATE PALMOPLANTAR KERATODERMA WITH OR WITHOUT ECTOPIC CALCIFICATION. Identifiers: Orphanet 324561, MedGen C3809781, MONDO:0014227, OMIM 615522.
Type 2 diabetes mellitus. Also called: Type II diabetes mellitus. Identifiers: MedGen C0011860, MeSH D003924, MONDO:0005148, OMIM 125853, HP:0005978.
Hypophosphatemic rickets, autosomal recessive, 2 (ARHR2). Identifiers: Orphanet 289176, MedGen C2750078, MONDO:0013219, OMIM 613312.
Inherited obesity. Also called: Monogenic Obesity. Identifiers: Orphanet 77828, MedGen C4054476, MONDO:0019182, OMIM 601665.

Allele frequency attached by ClinVar (database versions not stated): gnomAD exomes below 0.00001 and 0.00001; gnomAD 0.00001; TOPMed 0.00001; ExAC 0.00002; ESP Exome Variant Server 0.00008.
gnomAD v4.1: 2 of 1,613,980 alleles (0.00012%); highest among the groups gnomAD compares: Non-Finnish European, 0.00017%; no homozygotes.

Submissions (3):

Labcorp Genetics (formerly Invitae), Labcorp
Classification: Uncertain significance. Last evaluated: 2024-10-23. Review status: criteria provided, single submitter. Criteria: Invitae Variant Classification Sherloc (09022015). Collection method: clinical testing. Allele origin: germline.
Comment: This sequence change replaces leucine, which is neutral and non-polar, with valine, which is neutral and non-polar, at codon 579 of the ENPP1 protein (p.Leu579Val). This variant is present in population databases (rs144209970, gnomAD 0.0009%). This variant has not been reported in the literature in individuals affected with ENPP1-related conditions. ClinVar contains an entry for this variant (Variation ID: 853191). Invitae Evidence Modeling of protein sequence and biophysical properties (such as structural, functional, and spatial information, amino acid conservation, physicochemical variation, residue mobility, and thermodynamic stability) indicates that this missense variant is not expected to disrupt ENPP1 protein function with a negative predictive value of 80%. This variant disrupts the p.Leu579 amino acid residue in ENPP1. Other variant(s) that disrupt this residue have been determined to be pathogenic (PMID: 12881724, 33005041). This suggests that this residue is clinically significant, and that variants that disrupt this residue are likely to be disease-causing. In summary, the available evidence is currently insufficient to determine the role of this variant in disease. Therefore, it has been classified as a Variant of Uncertain Significance.

Fulgent Genetics
Classification: Uncertain significance for Type 2 diabetes mellitus; Arterial calcification, generalized, of infancy, 1; Inherited obesity; Hypophosphatemic rickets, autosomal recessive, 2; Hypopigmentation-punctate palmoplantar keratoderma syndrome. Last evaluated: 2024-02-06. Review status: criteria provided, single submitter. Criteria: ACMG Guidelines, 2015. Collection method: clinical testing. Allele origin: germline.

GeneDx
Classification: Likely benign. Last evaluated: 2018-12-27. Review status: criteria provided, single submitter. Criteria: GeneDx Variant Classification Process June 2021. Collection method: clinical testing. Allele origin: germline. Affected: yes.
Comment: See Variant Classification Assertion Criteria.

Literature cited by the submitters: PubMed 12881724 (cited by Labcorp Genetics (formerly Invitae), Labcorp); PubMed 33005041 (cited by Labcorp Genetics (formerly Invitae), Labcorp).